The following is an entry in ClinVar:

NM_000095.3(COMP):c.1810C>G (p.Gln604Glu)

Gene: COMP (cartilage oligomeric matrix protein; minus strand). Cytogenetic location: 19p13.11.
Variant type: single nucleotide variant.
Coding change: c.1810C>G on transcript NM_000095.3 (MANE Select); coding-DNA position 1810, C replaced by G.
Protein change: p.Gln604Glu; replaces glutamine 604 with glutamic acid.
Molecular consequence: missense variant.
Genome position (GRCh38, 1-based): chr19:18,785,000, G>C on the plus strand (C>G on the coding strand, the complement: COMP is on the minus strand). VCF-style: chr19-18785000-G-C. GRCh37 (hg19) VCF-style: chr19-18895810-G-C.
Other names: short protein forms Q604E.
Identifiers: ClinVar variation 3666755 (VCV003666755.2).
Genomic context (GRCh38, chr19:18,785,000, plus strand): 5'-CCTGCCAATACGTTTGCTCCATCTGCTTCCACATGACCACGTAGAAGCTGGAGCTGTCCT[G>C]GTAGCCAAAGATGAAGCCCGCATAGTCGTCATCCGTGACCGTGTTCACATGGAACGTGCC-3'
Protein context (NP_000086.2, residues 594-614): DDYAGFIFGY[Gln604Glu]DSSSFYVVMW

ClinVar aggregate classification (germline): Pathogenic (1 of 4 stars; one submission).

Submission:

Labcorp Genetics (formerly Invitae), Labcorp
Classification: Pathogenic. Last evaluated: 2024-11-27. Review status: criteria provided, single submitter. Criteria: Invitae Variant Classification Sherloc (09022015). Collection method: clinical testing. Allele origin: germline.
Comment: This sequence change replaces glutamine, which is neutral and polar, with glutamic acid, which is acidic and polar, at codon 604 of the COMP protein (p.Gln604Glu). This variant is not present in population databases (gnomAD no frequency). This missense change has been observed in individual(s) with clinical features of multiple epiphyseal dysplasia (internal data). In at least one individual the variant was observed to be de novo. Invitae Evidence Modeling of protein sequence and biophysical properties (such as structural, functional, and spatial information, amino acid conservation, physicochemical variation, residue mobility, and thermodynamic stability) indicates that this missense variant is expected to disrupt COMP protein function with a positive predictive value of 80%. For these reasons, this variant has been classified as Pathogenic.